The following is an entry in ClinVar:

NM_080732.4(EGLN2):c.883G>A (p.Val295Ile)

Genes: EGLN2 (egl-9 family hypoxia inducible factor 2; plus strand), RAB4B-EGLN2 (RAB4B-EGLN2 readthrough (NMD candidate); plus strand). Cytogenetic location: 19q13.2.
Variant type: single nucleotide variant.
Coding change: c.883G>A on transcript NM_080732.4 (MANE Select); coding-DNA position 883, G replaced by A.
Protein change: p.Val295Ile; replaces valine 295 with isoleucine.
Molecular consequence: missense variant. On other transcripts: non-coding transcript variant (1).
Genome position (GRCh38, 1-based): chr19:40,806,594, G>A. VCF-style: chr19-40806594-G-A. GRCh37 (hg19) VCF-style: chr19-41312499-G-A.
Other names: c.883G>A, p.Val295Ile (NM_053046.4); short protein forms V295I.
Identifiers: ClinVar variation 1764845 (VCV001764845.2), dbSNP rs758169932, ClinGen allele CA9452353.
Genomic context (GRCh38, chr19:40,806,594, plus strand): 5'-ACCTCCCTCCATCCCTGCCAGGCCATGGTGGCGTGTTACCCAGGCAACGGGCTCGGGTAC[G>A]TAAGGCACGTTGACAATCCCCACGGCGATGGGCGCTGCATCACCTGTATCTATTACCTGA-3'
Protein context (NP_542770.2, residues 285-305): ACYPGNGLGY[Val295Ile]RHVDNPHGDG

ClinVar aggregate classification (germline): Uncertain significance (1 of 4 stars; one submission).

Allele frequency attached by ClinVar (database versions not stated): gnomAD 0.00001; ExAC 0.00002; TOPMed 0.00002.

Submission:

Ambry Genetics
Classification: Uncertain significance. Last evaluated: 2023-10-13. Review status: criteria provided, single submitter. Criteria: Ambry Variant Classification Scheme 2023. Collection method: clinical testing. Allele origin: germline.
Comment: The p.V295I variant (also known as c.883G>A), located in coding exon 2 of the EGLN2 gene, results from a G to A substitution at nucleotide position 883. The valine at codon 295 is replaced by isoleucine, an amino acid with highly similar properties. This amino acid position is conserved. In addition, this alteration is predicted to be tolerated by in silico analysis. Since supporting evidence is limited at this time, the clinical significance of this alteration remains unclear.